The following is an entry in ClinVar:

ClinVar aggregate classification (germline): Likely benign (1 of 4 stars; one submission).

Allele frequency attached by ClinVar (database versions not stated): gnomAD exomes 0.00001; gnomAD 0.00002; TOPMed 0.00002.
gnomAD v4.1: 17 of 1,602,764 alleles (0.0011%); highest among the groups gnomAD compares: Non-Finnish European, 0.000085%; no homozygotes.

Submission:

CeGaT Center for Human Genetics Tuebingen
Classification: Likely benign. Last evaluated: 2023-04-01. Review status: criteria provided, single submitter. Criteria: CeGaT Center For Human Genetics Tuebingen Variant Classification Criteria Version 2. Collection method: clinical testing. Allele origin: germline. Affected: yes. Observed: 1 variant allele.
Comment: REV3L: BP4, BP7

NM_001372078.1(REV3L):c.2889A>G (p.Lys963=)

Gene: REV3L (REV3 like, DNA directed polymerase zeta catalytic subunit; minus strand). Cytogenetic location: 6q21.
Variant type: single nucleotide variant.
Coding change: c.2889A>G on transcript NM_001372078.1 (MANE Select); coding-DNA position 2889, A replaced by G.
Protein change: p.Lys963=; no amino-acid change (lysine 963 retained).
Molecular consequence: synonymous variant.
Genome position (GRCh38, 1-based): chr6:111,375,466, T>C on the plus strand (A>G on the coding strand, the complement: REV3L is on the minus strand). VCF-style: chr6-111375466-T-C. GRCh37 (hg19) VCF-style: chr6-111696669-T-C.
Other names: c.2655A>G, p.Lys885= (NM_001286431.2, NM_001286432.2); c.2889A>G, p.Lys963= (NM_002912.5).
Identifiers: ClinVar variation 2656854 (VCV002656854.24), dbSNP rs1162669265, ClinGen allele CA451918927.
Genomic context (GRCh38, chr6:111,375,466, plus strand): 5'-TCTATTAATAATAATATACTTTATGATGACAGGGGGCAGCTTTTTAGACATTTTTCTTCG[T>C]TTTCGGGATTTGAGAGTTCCATCTAAACTTTCACCAATTTCCATGGGATGAGGTAGACTA-3'
Protein context (NP_001359007.1, residues 953-973): ESLDGTLKSR[Lys963=]RRKMSKKLPP